The following is an entry in ClinVar:

ClinVar aggregate classification (germline): not provided (0 of 4 stars; one submission).

Conditions:
Seizures, benign familial neonatal, 1. Also called: Benign Neonatal Epilepsy 1; KCNQ2-Related Benign Familial Neonatal Epilepsy; KCNQ2-Related Self-Limited Familial Neonatal Epilepsy (SLFNE); Seizures, benign neonatal, 1. Identifiers: Orphanet 1949, MedGen C3149074, MONDO:0007365, OMIM 121200.

Submission:

GeneReviews
No classification provided. Condition: Seizures, benign familial neonatal, 1. Review status: no classification provided. Collection method: literature only. Allele origin: germline. Affected: yes.
Comment: BFNE (benign familial neonatal epilepsy)

Literature cited by the submitters: PubMed 19818940; PubMed 25982755; NCBI Bookshelf NBK32534.

NM_172107.4(KCNQ2):c.65_68del (p.Val22fs)

Gene: KCNQ2 (potassium voltage-gated channel subfamily Q member 2; minus strand). Cytogenetic location: 20q13.33.
Variant type: Deletion.
Coding change: c.65_68del on transcript NM_172107.4 (MANE Select); coding-DNA positions 65 to 68, 4 bases deleted (TGGG; older notation c.65_68delTGGG).
Protein change: p.Val22fs; shifts the reading frame from valine 22.
Molecular consequence: frameshift variant.
Genome position (GRCh38, 1-based): chr20:63,472,396-63,472,399, CCCA deleted on the plus strand (TGGG on the coding strand, the reverse complement: KCNQ2 is on the minus strand); deleting any 4 consecutive bases within chr20:63,472,396-63,472,401 gives the same sequence; the c. name uses the placement nearest the transcript's 3' end. VCF-style (leftmost placement, unchanged base first): chr20-63472395-GCCCA-G. GRCh37 (hg19) VCF-style: chr20-62103748-GCCCA-G.
Other names: c.65_68del, p.Val22fs (NM_004518.6, NM_172106.3, NM_172108.5 and 1 more transcripts); short protein forms V22fs.
Identifiers: ClinVar variation 21796 (VCV000021796.2), dbSNP rs118192187, ClinGen allele CA342519.